The following is an entry in ClinVar:

NM_004329.3(BMPR1A):c.-153+18A>C

Gene: BMPR1A (bone morphogenetic protein receptor type 1A; plus strand). Cytogenetic location: 10q23.2.
Variant type: single nucleotide variant.
Coding change: c.-153+18A>C on transcript NM_004329.3 (MANE Select); 18 bases into the intron after 153 bases upstream of the start codon, A replaced by C.
Molecular consequence: intron variant.
Genome position (GRCh38, 1-based): chr10:86,838,997, A>C. VCF-style: chr10-86838997-A-C. GRCh37 (hg19) VCF-style: chr10-88598754-A-C.
Identifiers: ClinVar variation 384465 (VCV000384465.1), dbSNP rs994373953, ClinGen allele CA16605705.
Genomic context (GRCh38, chr10:86,838,997, plus strand): 5'-GGAGAAAATCAGAAGTACAGTTTTATCTAGCCACATCTTGGAGGTAAGGAAAAGAACATA[A>C]TTTAGAATAATATGAAATTTCTCATTTTTTAATAGTTGAAAATAATCCTTCTACACTGCA-3'

ClinVar aggregate classification (germline): Likely benign (1 of 4 stars; one submission).

Allele frequency attached by ClinVar (database versions not stated): TOPMed 0.00002; gnomAD 0.00005 and 0.00006.
gnomAD v4.1: 7 of 152,168 alleles (0.0046%); highest among the groups gnomAD compares: African/African-American, 0.0097%; no homozygotes.

Submission:

GeneDx
Classification: Likely benign. Last evaluated: 2017-10-30. Review status: criteria provided, single submitter. Criteria: GeneDx Variant Classification (06012015). Collection method: clinical testing. Allele origin: germline. Affected: yes.
Comment: This variant is considered likely benign or benign based on one or more of the following criteria: it is a conservative change, it occurs at a poorly conserved position in the protein, it is predicted to be benign by multiple in silico algorithms, and/or has population frequency not consistent with disease.